The following is an entry in ClinVar:

ClinVar aggregate classification (germline): Pathogenic (1 of 4 stars; one submission).

Conditions:
Osteogenesis imperfecta type I (OI1). Also called: Lobstein's Disease; Classic Non-deforming Osteogenesis Imperfecta with Blue Sclerae; Lobstein disease; OI, TYPE I; OSTEOGENESIS IMPERFECTA TARDA; OSTEOGENESIS IMPERFECTA WITH BLUE SCLERAE. Identifiers: Orphanet 216796, Orphanet 666, MedGen C0023931, MONDO:0008146, OMIM 166200. Disease mechanism: loss of function.

Submissions (2):

Labcorp Genetics (formerly Invitae), Labcorp
Classification: Pathogenic for Osteogenesis imperfecta type I. Last evaluated: 2023-08-17. Review status: criteria provided, single submitter. Criteria: Invitae Variant Classification Sherloc (09022015). Collection method: clinical testing. Allele origin: germline.
Comment: For these reasons, this variant has been classified as Pathogenic. Variants that disrupt the consensus splice site are a relatively common cause of aberrant splicing (PMID: 17576681, 9536098). Algorithms developed to predict the effect of sequence changes on RNA splicing suggest that this variant may disrupt the consensus splice site. This variant has been observed in individual(s) with clinical features of osteogenesis imperfecta (Invitae). In at least one individual the variant was observed to be de novo. This variant is not present in population databases (gnomAD no frequency). This sequence change falls in intron 15 of the COL1A1 gene. It does not directly change the encoded amino acid sequence of the COL1A1 protein. It affects a nucleotide within the consensus splice site.

Dr. Peter K. Rogan Lab, Western University
No classification provided (evidence only). Condition: Ovarian serous cystadenocarcinoma. Review status: no classification provided. Collection method: in vitro. Allele origin: not applicable. Functional consequence: retained intron. Not counted in ClinVar's aggregate classification.

Literature cited by the submitters: PubMed 17576681 (cited by Labcorp Genetics (formerly Invitae), Labcorp); PubMed 9536098 (cited by Labcorp Genetics (formerly Invitae), Labcorp).

NM_000088.4(COL1A1):c.1002+3G>C

Gene: COL1A1 (collagen type I alpha 1 chain; minus strand). Cytogenetic location: 17q21.33.
Variant type: single nucleotide variant.
Coding change: c.1002+3G>C on transcript NM_000088.4 (MANE Select); 3 bases into the intron after coding-DNA position 1002, G replaced by C.
Molecular consequence: intron variant.
Genome position (GRCh38, 1-based): chr17:50,196,152, C>G on the plus strand (G>C on the coding strand, the complement: COL1A1 is on the minus strand). VCF-style: chr17-50196152-C-G. GRCh37 (hg19) VCF-style: chr17-48273513-C-G.
Identifiers: ClinVar variation 2864103 (VCV002864103.4), dbSNP rs2144579715, ClinGen allele CA2739268233.
Genomic context (GRCh38, chr17:50,196,152, plus strand): 5'-CCAAGAGCAGATACTGAGACCCCTCCCCACTCCCAGGCCCTGAGGCCTACAGGCCACACT[C>G]ACAGGGGGCCCGGCAGCACCAGTAGCACCATCATTTCCACGAGCACCCTGCAGGAGAGAG-3'